The following is an entry in ClinVar:

NM_014009.4(FOXP3):c.1221C>T (p.Thr407=)

Gene: FOXP3 (forkhead box P3; minus strand). Cytogenetic location: Xp11.23.
Variant type: single nucleotide variant.
Coding change: c.1221C>T on transcript NM_014009.4 (MANE Select); coding-DNA position 1221, C replaced by T.
Protein change: p.Thr407=; no amino-acid change (threonine 407 retained).
Molecular consequence: synonymous variant.
Genome position (GRCh38, 1-based): chrX:49,251,409, G>A on the plus strand (C>T on the coding strand, the complement: FOXP3 is on the minus strand). VCF-style: chrX-49251409-G-A. GRCh37 (hg19) VCF-style: chrX-49107870-G-A.
Other names: c.1116C>T, p.Thr372= (NM_001114377.2).
Identifiers: ClinVar variation 1547916 (VCV001547916.18), dbSNP rs373302430, ClinGen allele CA10411638.

ClinVar aggregate classification (germline): Benign/Likely benign. Review status: criteria provided, multiple submitters, no conflicts (2 of 4 stars). 2 submissions from 2 submitters: Benign (1); Likely benign (1). Last evaluated 2025-10-26.

Conditions:
Insulin-dependent diabetes mellitus secretory diarrhea syndrome (IPEX). Also called: IPEX and IPEX-Like; X-Linked Autoimmunity-Allergic Dysregulation Syndrome; Immune dysregulation-polyendocrinopathy-enteropathy-X-linked syndrome; Immunodysregulation, polyendocrinopathy, and enteropathy, X-linked; DIABETES MELLITUS, CONGENITAL INSULIN-DEPENDENT, WITH FATAL SECRETORY DIARRHEA; DIARRHEA, POLYENDOCRINOPATHY, FATAL INFECTION SYNDROME, X-LINKED. Identifiers: Orphanet 37042, MedGen C0342288, MONDO:0010580, OMIM 304790. Disease mechanism: loss of function.

Allele frequency attached by ClinVar (database versions not stated): TOPMed 0.00002; ExAC 0.00005; gnomAD exomes 0.00005; gnomAD 0.00007; ESP Exome Variant Server 0.00009.
gnomAD v4.1: 57 of 1,210,195 alleles (0.0047%); highest among the groups gnomAD compares: Non-Finnish European, 0.0061%; 1 homozygote.

Submissions (2):

Labcorp Genetics (formerly Invitae), Labcorp
Classification: Benign for Insulin-dependent diabetes mellitus secretory diarrhea syndrome. Last evaluated: 2025-10-26. Review status: criteria provided, single submitter. Criteria: Invitae Variant Classification Sherloc (09022015). Collection method: clinical testing. Allele origin: germline.

CeGaT Center for Human Genetics Tuebingen
Classification: Likely benign. Last evaluated: 2025-05-01. Review status: criteria provided, single submitter. Criteria: CeGaT Center For Human Genetics Tuebingen Variant Classification Criteria Version 2. Collection method: clinical testing. Allele origin: germline. Affected: yes. Observed: 1 variant allele.
Comment: FOXP3: BP4, BP7, BS2